The following is an entry in ClinVar:

NM_001844.5(COL2A1):c.343-1G>A

Gene: COL2A1 (collagen type II alpha 1 chain; minus strand). Cytogenetic location: 12q13.11.
Variant type: single nucleotide variant.
Coding change: c.343-1G>A on transcript NM_001844.5 (MANE Select); the canonical splice acceptor site of the intron before coding-DNA position 343, G replaced by A.
Molecular consequence: splice acceptor variant.
Genome position (GRCh38, 1-based): chr12:47,998,065, C>T on the plus strand (G>A on the coding strand, the complement: COL2A1 is on the minus strand). VCF-style: chr12-47998065-C-T. GRCh37 (hg19) VCF-style: chr12-48391848-C-T.
Other names: c.136-1G>A (NM_033150.3).
Identifiers: ClinVar variation 2694953 (VCV002694953.3), dbSNP rs2540182212, ClinGen allele CA384525234.
Genomic context (GRCh38, chr12:47,998,065, plus strand): 5'-GGAGAAAGAGATTTCTCCCTCTCTTACCTGAGGCCCAGGAGGTCCTTTGGGTCCTACAAT[C>T]TGTGAGAGAGAGCCCCACAGGATGGTAAGTTAGAGGAGAGCACAAGGAAATGACCCATTT-3'

ClinVar aggregate classification (germline): Pathogenic (1 of 4 stars; one submission).

Submission:

Labcorp Genetics (formerly Invitae), Labcorp
Classification: Pathogenic. Last evaluated: 2024-07-25. Review status: criteria provided, single submitter. Criteria: Invitae Variant Classification Sherloc (09022015). Collection method: clinical testing. Allele origin: germline.
Comment: This sequence change affects an acceptor splice site in intron 4 of the COL2A1 gene. It is expected to disrupt RNA splicing. Variants that disrupt the donor or acceptor splice site typically lead to a loss of protein function (PMID: 16199547), and loss-of-function variants in COL2A1 are known to be pathogenic (PMID: 20179744). This variant is not present in population databases (gnomAD no frequency). Disruption of this splice site has been observed in individual(s) with clinical features of Stickler syndrome (Invitae). Algorithms developed to predict the effect of sequence changes on RNA splicing suggest that this variant may disrupt the consensus splice site. For these reasons, this variant has been classified as Pathogenic.

Literature cited by the submitters: PubMed 16199547; PubMed 20179744.